The following is an entry in ClinVar:

ClinVar aggregate classification (germline): Uncertain significance (1 of 4 stars; one submission).

Conditions:
Progressive sclerosing poliodystrophy (MTDPS4A). Also called: ALPERS PROGRESSIVE INFANTILE POLIODYSTROPHY; NEURONAL DEGENERATION OF CHILDHOOD WITH LIVER DISEASE, PROGRESSIVE; Alpers Syndrome; ALPERS DIFFUSE DEGENERATION OF CEREBRAL GRAY MATTER WITH HEPATIC CIRRHOSIS; Alpers-Huttenlocher Syndrome; Mitochondrial DNA depletion syndrome 4A (Alpers type). Identifiers: Orphanet 726, MedGen C0205710, MONDO:0008758, OMIM 203700.

Allele frequency attached by ClinVar (database versions not stated): TOPMed below 0.00001.

Submission:

Labcorp Genetics (formerly Invitae), Labcorp
Classification: Uncertain significance for Progressive sclerosing poliodystrophy. Last evaluated: 2022-01-07. Review status: criteria provided, single submitter. Criteria: Invitae Variant Classification Sherloc (09022015). Collection method: clinical testing. Allele origin: germline.
Comment: This variant is not present in population databases (gnomAD no frequency). In summary, the available evidence is currently insufficient to determine the role of this variant in disease. Therefore, it has been classified as a Variant of Uncertain Significance. Experimental studies have shown that this missense change affects POLG function (PMID: 27987238). Algorithms developed to predict the effect of missense changes on protein structure and function are either unavailable or do not agree on the potential impact of this missense change (SIFT: "Deleterious"; PolyPhen-2: "Probably Damaging"; Align-GVGD: "Class C15"). This variant has not been reported in the literature in individuals affected with POLG-related conditions. This sequence change replaces threonine, which is neutral and polar, with isoleucine, which is neutral and non-polar, at codon 1199 of the POLG protein (p.Thr1199Ile).

Literature cited by the submitters: PubMed 27987238.

NM_002693.3(POLG):c.3596C>T (p.Thr1199Ile)

Gene: POLG (DNA polymerase gamma, catalytic subunit; minus strand). Cytogenetic location: 15q26.1.
Variant type: single nucleotide variant.
Coding change: c.3596C>T on transcript NM_002693.3 (MANE Select); coding-DNA position 3596, C replaced by T.
Protein change: p.Thr1199Ile; replaces threonine 1199 with isoleucine.
Molecular consequence: missense variant.
Genome position (GRCh38, 1-based): chr15:89,317,423, G>A on the plus strand (C>T on the coding strand, the complement: POLG is on the minus strand). VCF-style: chr15-89317423-G-A. GRCh37 (hg19) VCF-style: chr15-89860654-G-A.
Other names: c.3596C>T, p.Thr1199Ile (NM_001126131.2); short protein forms T1199I.
Identifiers: ClinVar variation 1433241 (VCV001433241.6), dbSNP rs970516573, ClinGen allele CA274539481.